The following is an entry in ClinVar:

NM_001386135.1(AFF3):c.403G>A (p.Ala135Thr)

Gene: AFF3 (ALF transcription elongation factor 3; minus strand). Cytogenetic location: 2q11.2.
Variant type: single nucleotide variant.
Coding change: c.403G>A on transcript NM_001386135.1 (MANE Select); coding-DNA position 403, G replaced by A.
Protein change: p.Ala135Thr; replaces alanine 135 with threonine.
Molecular consequence: missense variant.
Genome position (GRCh38, 1-based): chr2:100,007,232, C>T on the plus strand (G>A on the coding strand, the complement: AFF3 is on the minus strand). VCF-style: chr2-100007232-C-T. GRCh37 (hg19) VCF-style: chr2-100623694-C-T.
Other names: c.478G>A, p.Ala160Thr (NM_001025108.2); c.403G>A, p.Ala135Thr (NM_002285.3); short protein forms A135T, A160T.
Identifiers: ClinVar variation 5017950 (VCV005017950.1).

ClinVar aggregate classification (germline): Uncertain significance (1 of 4 stars; one submission).

Submission:

GeneDx
Classification: Uncertain significance. Last evaluated: 2026-04-02. Review status: criteria provided, single submitter. Criteria: GeneDx Variant Classification Process June 2021. Collection method: clinical testing. Allele origin: germline.
Comment: Not observed at significant frequency in large population cohorts (gnomAD); In silico analysis suggests that this missense variant does not alter protein structure/function; Has not been previously published as pathogenic or benign to our knowledge